The following is an entry in ClinVar:

ClinVar aggregate classification (germline): Uncertain significance (1 of 4 stars; one submission).

Allele frequency attached by ClinVar (database versions not stated): TOPMed below 0.00001.
gnomAD v4.1: 3 of 1,614,062 alleles (0.00019%); highest among the groups gnomAD compares: Admixed American, 0.0033%; no homozygotes.

Submission:

Labcorp Genetics (formerly Invitae), Labcorp
Classification: Uncertain significance. Last evaluated: 2022-07-05. Review status: criteria provided, single submitter. Criteria: Invitae Variant Classification Sherloc (09022015). Collection method: clinical testing. Allele origin: germline.
Comment: In summary, the available evidence is currently insufficient to determine the role of this variant in disease. Therefore, it has been classified as a Variant of Uncertain Significance. Algorithms developed to predict the effect of missense changes on protein structure and function are either unavailable or do not agree on the potential impact of this missense change (SIFT: "Deleterious"; PolyPhen-2: "Probably Damaging"; Align-GVGD: "Class C0"). ClinVar contains an entry for this variant (Variation ID: 1496983). This variant has not been reported in the literature in individuals affected with ARHGEF1-related conditions. This variant is present in population databases (no rsID available, gnomAD 0.1%). This sequence change replaces aspartic acid, which is acidic and polar, with histidine, which is basic and polar, at codon 816 of the ARHGEF1 protein (p.Asp816His).

NM_004706.4(ARHGEF1):c.2401G>C (p.Asp801His)

Gene: ARHGEF1 (Rho guanine nucleotide exchange factor 1; plus strand). Cytogenetic location: 19q13.2.
Variant type: single nucleotide variant.
Coding change: c.2401G>C on transcript NM_004706.4 (MANE Select); coding-DNA position 2401, G replaced by C.
Protein change: p.Asp801His; replaces aspartic acid 801 with histidine.
Molecular consequence: missense variant.
Genome position (GRCh38, 1-based): chr19:41,905,824, G>C. VCF-style: chr19-41905824-G-C. GRCh37 (hg19) VCF-style: chr19-42409976-G-C.
Other names: c.2302G>C, p.Asp768His (NM_198977.2); c.2446G>C, p.Asp816His (NM_199002.2); short protein forms D768H, D816H, D801H.
Identifiers: ClinVar variation 1496983 (VCV001496983.8), dbSNP rs1278450308, ClinGen allele CA406068107.